The following is an entry in ClinVar:

ClinVar aggregate classification (germline): Uncertain significance (1 of 4 stars; one submission).

Submission:

Labcorp Genetics (formerly Invitae), Labcorp
Classification: Uncertain significance. Last evaluated: 2024-10-30. Review status: criteria provided, single submitter. Criteria: Invitae Variant Classification Sherloc (09022015). Collection method: clinical testing. Allele origin: germline.
Comment: This sequence change replaces isoleucine, which is neutral and non-polar, with phenylalanine, which is neutral and non-polar, at codon 26 of the TNNI3K protein (p.Ile26Phe). This variant is not present in population databases (gnomAD no frequency). This variant has not been reported in the literature in individuals affected with TNNI3K-related conditions. Invitae Evidence Modeling of protein sequence and biophysical properties (such as structural, functional, and spatial information, amino acid conservation, physicochemical variation, residue mobility, and thermodynamic stability) indicates that this missense variant is not expected to disrupt TNNI3K protein function with a negative predictive value of 80%. In summary, the available evidence is currently insufficient to determine the role of this variant in disease. Therefore, it has been classified as a Variant of Uncertain Significance.

NM_015978.3(TNNI3K):c.76A>T (p.Ile26Phe)

Genes: FPGT-TNNI3K (FPGT-TNNI3K readthrough; plus strand), TNNI3K (TNNI3 interacting kinase; plus strand). Cytogenetic location: 1p31.1.
Variant type: single nucleotide variant.
Coding change: c.76A>T on transcript NM_015978.3 (MANE Select); coding-DNA position 76, A replaced by T.
Protein change: p.Ile26Phe; replaces isoleucine 26 with phenylalanine.
Molecular consequence: missense variant.
Genome position (GRCh38, 1-based): chr1:74,236,137, A>T. VCF-style: chr1-74236137-A-T. GRCh37 (hg19) VCF-style: chr1-74701821-A-T.
Other names: c.379A>T, p.Ile127Phe (NM_001112808.3, NM_001199327.2); short protein forms I127F, I26F.
Identifiers: ClinVar variation 3688993 (VCV003688993.2).